The following is an entry in ClinVar:

NM_014679.5(CEP57):c.1256G>A (p.Arg419Gln)

Gene: CEP57 (centrosomal protein 57; plus strand). Cytogenetic location: 11q21.
Variant type: single nucleotide variant.
Coding change: c.1256G>A on transcript NM_014679.5 (MANE Select); coding-DNA position 1256, G replaced by A.
Protein change: p.Arg419Gln; replaces arginine 419 with glutamine.
Molecular consequence: missense variant.
Genome position (GRCh38, 1-based): chr11:95,829,315, G>A. VCF-style: chr11-95829315-G-A. GRCh37 (hg19) VCF-style: chr11-95562479-G-A.
Other names: c.1229G>A, p.Arg410Gln (NM_001243776.2); c.1178G>A, p.Arg393Gln (NM_001243777.2); c.1175G>A, p.Arg392Gln (NM_001363604.2); c.1256G>A (NM_014679.4); short protein forms R410Q, R419Q, R393Q, R392Q.
Identifiers: ClinVar variation 1443046 (VCV001443046.9), dbSNP rs780215823, ClinGen allele CA6239744.

ClinVar aggregate classification (germline): Uncertain significance. Review status: criteria provided, multiple submitters, no conflicts (2 of 4 stars). 2 submissions from 2 submitters: Uncertain significance (2). Last evaluated 2024-11-23.

Conditions:
Mosaic variegated aneuploidy syndrome 2 (MVA2). Identifiers: Orphanet 1052, MedGen C3279843, MONDO:0013582, OMIM 614114.
Inborn genetic diseases. Identifiers: MedGen C0950123, MeSH D030342.

Allele frequency attached by ClinVar (database versions not stated): gnomAD exomes 0.00001 and 0.00003; ExAC 0.00004; gnomAD 0.00004.

Submissions (2):

Ambry Genetics
Classification: Uncertain significance for Inborn genetic diseases. Last evaluated: 2024-11-23. Review status: criteria provided, single submitter. Criteria: Ambry Variant Classification Scheme 2023. Collection method: clinical testing. Allele origin: germline.
Comment: The p.R419Q variant (also known as c.1256G>A), located in coding exon 10 of the CEP57 gene, results from a G to A substitution at nucleotide position 1256. The arginine at codon 419 is replaced by glutamine, an amino acid with highly similar properties. This amino acid position is conserved. In addition, this alteration is predicted to be tolerated by in silico analysis. Based on the available evidence, the clinical significance of this variant remains unclear.

Labcorp Genetics (formerly Invitae), Labcorp
Classification: Uncertain significance for Mosaic variegated aneuploidy syndrome 2. Last evaluated: 2024-04-24. Review status: criteria provided, single submitter. Criteria: Invitae Variant Classification Sherloc (09022015). Collection method: clinical testing. Allele origin: germline.
Comment: This sequence change replaces arginine, which is basic and polar, with glutamine, which is neutral and polar, at codon 419 of the CEP57 protein (p.Arg419Gln). This variant is present in population databases (rs780215823, gnomAD 0.03%). This variant has not been reported in the literature in individuals affected with CEP57-related conditions. ClinVar contains an entry for this variant (Variation ID: 1443046). Advanced modeling of protein sequence and biophysical properties (such as structural, functional, and spatial information, amino acid conservation, physicochemical variation, residue mobility, and thermodynamic stability) performed at Invitae indicates that this missense variant is not expected to disrupt CEP57 protein function with a negative predictive value of 80%. In summary, the available evidence is currently insufficient to determine the role of this variant in disease. Therefore, it has been classified as a Variant of Uncertain Significance.